The following is an entry in ClinVar:

NM_000053.4(ATP7B):c.1494del (p.Cys499fs)

Gene: ATP7B (ATPase copper transporting beta; minus strand). Cytogenetic location: 13q14.3.
Variant type: Deletion.
Coding change: c.1494del on transcript NM_000053.4 (MANE Select); coding-DNA position 1494, one base deleted (C; older notation c.1494delC).
Protein change: p.Cys499fs; shifts the reading frame from cysteine 499.
Molecular consequence: frameshift variant. On other transcripts: intron variant (1).
Genome position (GRCh38, 1-based): chr13:51,970,541, G deleted on the plus strand (C on the coding strand, the reverse complement: ATP7B is on the minus strand); the first of 2 consecutive G bases (chr13:51,970,541-51,970,542); deleting either gives the same sequence. VCF-style (leftmost placement, unchanged base first): chr13-51970540-AG-A. GRCh37 (hg19) VCF-style: chr13-52544676-AG-A.
Other names: c.1494del, p.Cys499fs (NM_001406524.1, NM_001406525.1, NM_001406526.1 and 28 more transcripts); c.1398del, p.Cys467fs (NM_001406530.1, NM_001406536.1, NM_001406543.1 and 3 more transcripts); c.1065del, p.Cys356fs (NM_001406539.1); c.1161del, p.Cys388fs (NM_001243182.2); c.1285+3394del (NM_001406548.1); short protein forms C467fs, C499fs, C356fs, C388fs.
Identifiers: ClinVar variation 2736048 (VCV002736048.3), dbSNP rs2547793038, ClinGen allele CA2623118848.

ClinVar aggregate classification (germline): Pathogenic (1 of 4 stars; one submission).

Conditions:
Wilson disease (WND). Also called: Wilson's disease. Identifiers: Orphanet 905, MedGen C0019202, MONDO:0010200, OMIM 277900. Disease mechanism: loss of function.

Submission:

Labcorp Genetics (formerly Invitae), Labcorp
Classification: Pathogenic for Wilson disease. Last evaluated: 2022-11-14. Review status: criteria provided, single submitter. Criteria: Invitae Variant Classification Sherloc (09022015). Collection method: clinical testing. Allele origin: germline.
Comment: This sequence change creates a premature translational stop signal (p.Cys499Valfs*8) in the ATP7B gene. It is expected to result in an absent or disrupted protein product. Loss-of-function variants in ATP7B are known to be pathogenic (PMID: 10441329, 16283883). This variant is not present in population databases (gnomAD no frequency). This premature translational stop signal has been observed in individual(s) with clinical features of Wilson disease (PMID: 23518715). For these reasons, this variant has been classified as Pathogenic.

Literature cited by the submitters: PubMed 10441329; PubMed 16283883; PubMed 23518715.